The following is an entry in ClinVar:

ClinVar aggregate classification (germline): Uncertain significance (1 of 4 stars; one submission).

Allele frequency attached by ClinVar (database versions not stated): gnomAD exomes below 0.00001.
gnomAD v4.1: 3 of 1,559,400 alleles (0.00019%); highest among the groups gnomAD compares: Non-Finnish European, 0.00026%; no homozygotes.

Submission:

Labcorp Genetics (formerly Invitae), Labcorp
Classification: Uncertain significance. Last evaluated: 2022-07-26. Review status: criteria provided, single submitter. Criteria: Invitae Variant Classification Sherloc (09022015). Collection method: clinical testing. Allele origin: germline.
Comment: This sequence change replaces alanine, which is neutral and non-polar, with valine, which is neutral and non-polar, at codon 229 of the NACC1 protein (p.Ala229Val). This variant is not present in population databases (gnomAD no frequency). This variant has not been reported in the literature in individuals affected with NACC1-related conditions. ClinVar contains an entry for this variant (Variation ID: 1374135). Algorithms developed to predict the effect of missense changes on protein structure and function (SIFT, PolyPhen-2, Align-GVGD) all suggest that this variant is likely to be tolerated. In summary, the available evidence is currently insufficient to determine the role of this variant in disease. Therefore, it has been classified as a Variant of Uncertain Significance.

NM_052876.4(NACC1):c.686C>T (p.Ala229Val)

Gene: NACC1 (nucleus accumbens associated 1; plus strand). Cytogenetic location: 19p13.13.
Variant type: single nucleotide variant.
Coding change: c.686C>T on transcript NM_052876.4 (MANE Select); coding-DNA position 686, C replaced by T.
Protein change: p.Ala229Val; replaces alanine 229 with valine.
Molecular consequence: missense variant.
Genome position (GRCh38, 1-based): chr19:13,135,893, C>T. VCF-style: chr19-13135893-C-T. GRCh37 (hg19) VCF-style: chr19-13246707-C-T.
Other names: short protein forms A229V.
Identifiers: ClinVar variation 1374135 (VCV001374135.6), dbSNP rs2145623853, ClinGen allele CA404325903.